The following is an entry in ClinVar:

NM_207352.4(CYP4V2):c.771C>G (p.Ser257Arg)

Gene: CYP4V2 (cytochrome P450 family 4 subfamily V member 2; plus strand). Cytogenetic location: 4q35.1.
Variant type: single nucleotide variant.
Coding change: c.771C>G on transcript NM_207352.4 (MANE Select); coding-DNA position 771, C replaced by G.
Protein change: p.Ser257Arg; replaces serine 257 with arginine.
Molecular consequence: missense variant.
Genome position (GRCh38, 1-based): chr4:186,199,053, C>G. VCF-style: chr4-186199053-C-G. GRCh37 (hg19) VCF-style: chr4-187120207-C-G.
Other names: short protein forms S257R.
Identifiers: ClinVar variation 1714695 (VCV001714695.5), dbSNP rs2478912181, ClinGen allele CA358948093.

ClinVar aggregate classification (germline): Uncertain significance (1 of 4 stars; one submission).

Allele frequency attached by ClinVar (database versions not stated): gnomAD exomes below 0.00001.
gnomAD v4.1: 1 of 1,613,948 alleles (0.000062%); highest among the groups gnomAD compares: Non-Finnish European, 0.000085%; no homozygotes.

Submission:

Labcorp Genetics (formerly Invitae), Labcorp
Classification: Uncertain significance. Last evaluated: 2024-01-17. Review status: criteria provided, single submitter. Criteria: Invitae Variant Classification Sherloc (09022015). Collection method: clinical testing. Allele origin: germline.
Comment: This sequence change replaces serine, which is neutral and polar, with arginine, which is basic and polar, at codon 257 of the CYP4V2 protein (p.Ser257Arg). This variant is not present in population databases (gnomAD no frequency). This variant has not been reported in the literature in individuals affected with CYP4V2-related conditions. ClinVar contains an entry for this variant (Variation ID: 1714695). Advanced modeling of protein sequence and biophysical properties (such as structural, functional, and spatial information, amino acid conservation, physicochemical variation, residue mobility, and thermodynamic stability) performed at Invitae indicates that this missense variant is not expected to disrupt CYP4V2 protein function with a negative predictive value of 80%. In summary, the available evidence is currently insufficient to determine the role of this variant in disease. Therefore, it has been classified as a Variant of Uncertain Significance.